The following is an entry in ClinVar:

ClinVar aggregate classification (germline): Uncertain significance (1 of 4 stars; one submission).

Conditions:
Fetal akinesia deformation sequence 1 (FADS1). Also called: Fetal akinesia sequence; Pena-Shokeir syndrome type I. Identifiers: Orphanet 994, MedGen C1276035, MONDO:0100101, OMIM 208150, HP:0001989.
Congenital myasthenic syndrome 9. Also called: Myasthenic syndrome, congenital, 9, associated with acetylcholine receptor deficiency. Identifiers: Orphanet 590, MedGen C4225368, MONDO:0014587, OMIM 616325.

Allele frequency attached by ClinVar (database versions not stated): gnomAD exomes below 0.00001 and 0.00001; TOPMed below 0.00001; ExAC 0.00001; gnomAD 0.00001.
gnomAD v4.1: 14 of 1,612,680 alleles (0.00087%); highest among the groups gnomAD compares: Non-Finnish European, 0.0011%; no homozygotes.

Submission:

Labcorp Genetics (formerly Invitae), Labcorp
Classification: Uncertain significance for Congenital myasthenic syndrome 9; Fetal akinesia deformation sequence 1. Last evaluated: 2021-08-02. Review status: criteria provided, single submitter. Criteria: Invitae Variant Classification Sherloc (09022015). Collection method: clinical testing. Allele origin: germline.
Comment: This sequence change replaces alanine with proline at codon 45 of the MUSK protein (p.Ala45Pro). The alanine residue is highly conserved and there is a small physicochemical difference between alanine and proline. This variant is present in population databases (rs763800237, ExAC 0.001%). This variant has not been reported in the literature in individuals affected with MUSK-related conditions. In summary, the available evidence is currently insufficient to determine the role of this variant in disease. Therefore, it has been classified as a Variant of Uncertain Significance. Algorithms developed to predict the effect of missense changes on protein structure and function are either unavailable or do not agree on the potential impact of this missense change (SIFT: "Deleterious"; PolyPhen-2: "Possibly Damaging"; Align-GVGD: "Class C0").

NM_005592.4(MUSK):c.133G>C (p.Ala45Pro)

Gene: MUSK (muscle associated receptor tyrosine kinase; plus strand). Cytogenetic location: 9q31.3.
Variant type: single nucleotide variant.
Coding change: c.133G>C on transcript NM_005592.4 (MANE Select); coding-DNA position 133, G replaced by C.
Protein change: p.Ala45Pro; replaces alanine 45 with proline.
Molecular consequence: missense variant.
Genome position (GRCh38, 1-based): chr9:110,682,727, G>C. VCF-style: chr9-110682727-G-C. GRCh37 (hg19) VCF-style: chr9-113445007-G-C.
Other names: c.133G>C, p.Ala45Pro (NM_001166280.2, NM_001166281.2); short protein forms A45P.
Identifiers: ClinVar variation 1371986 (VCV001371986.6), dbSNP rs763800237, ClinGen allele CA5183930.
Genomic context (GRCh38, chr9:110,682,727, plus strand): 5'-CTTTCAGCTCCTGTCATCACCACTCCTCTTGAAACAGTGGATGCCTTAGTTGAAGAAGTG[G>C]CTACTTTCATGTGTGCAGTGGAATCCTACCCCCAGCCTGAGATTTCCTGGACTAGAAATA-3'
Protein context (NP_005583.1, residues 35-55): ETVDALVEEV[Ala45Pro]TFMCAVESYP